The following is an entry in ClinVar:

NM_006231.4(POLE):c.475A>T (p.Thr159Ser)

Gene: POLE (DNA polymerase epsilon, catalytic subunit; minus strand). Cytogenetic location: 12q24.33.
Variant type: single nucleotide variant.
Coding change: c.475A>T on transcript NM_006231.4 (MANE Select); coding-DNA position 475, A replaced by T.
Protein change: p.Thr159Ser; replaces threonine 159 with serine.
Molecular consequence: missense variant.
Genome position (GRCh38, 1-based): chr12:132,679,600, T>A on the plus strand (A>T on the coding strand, the complement: POLE is on the minus strand). VCF-style: chr12-132679600-T-A. GRCh37 (hg19) VCF-style: chr12-133256186-T-A.
Other names: short protein forms T159S.
Identifiers: ClinVar variation 2809875 (VCV002809875.3), dbSNP rs774952016, ClinGen allele CA387367323.

ClinVar aggregate classification (germline): Uncertain significance (1 of 4 stars; one submission).

Submission:

Labcorp Genetics (formerly Invitae), Labcorp
Classification: Uncertain significance. Last evaluated: 2022-10-27. Review status: criteria provided, single submitter. Criteria: Invitae Variant Classification Sherloc (09022015). Collection method: clinical testing. Allele origin: germline.
Comment: In summary, the available evidence is currently insufficient to determine the role of this variant in disease. Therefore, it has been classified as a Variant of Uncertain Significance. Advanced modeling of protein sequence and biophysical properties (such as structural, functional, and spatial information, amino acid conservation, physicochemical variation, residue mobility, and thermodynamic stability) performed at Invitae indicates that this missense variant is not expected to disrupt POLE protein function. This variant has not been reported in the literature in individuals affected with POLE-related conditions. This variant is not present in population databases (gnomAD no frequency). This sequence change replaces threonine, which is neutral and polar, with serine, which is neutral and polar, at codon 159 of the POLE protein (p.Thr159Ser).